The following is an entry in ClinVar:

ClinVar aggregate classification (germline): Uncertain significance (1 of 4 stars; one submission).

Conditions:
Atrioventricular septal defect 5 (AVSD5). Identifiers: MedGen C3280939, MONDO:0013769, OMIM 614474.

gnomAD v4.1: 4 of 1,587,778 alleles (0.00025%); highest among the groups gnomAD compares: Non-Finnish European, 0.00034%; no homozygotes.

Submission:

Labcorp Genetics (formerly Invitae), Labcorp
Classification: Uncertain significance for Atrioventricular septal defect 5. Last evaluated: 2020-07-21. Review status: criteria provided, single submitter. Criteria: Invitae Variant Classification Sherloc (09022015). Collection method: clinical testing. Allele origin: germline.
Comment: In summary, the available evidence is currently insufficient to determine the role of this variant in disease. Therefore, it has been classified as a Variant of Uncertain Significance. Algorithms developed to predict the effect of missense changes on protein structure and function are either unavailable or do not agree on the potential impact of this missense change (SIFT: "Deleterious"; PolyPhen-2: "Possibly Damaging"; Align-GVGD: "Class C0"). This variant has not been reported in the literature in individuals with GATA6-related conditions. This variant is not present in population databases (ExAC no frequency). This sequence change replaces cysteine with tryptophan at codon 60 of the GATA6 protein (p.Cys60Trp). The cysteine residue is weakly conserved and there is a large physicochemical difference between cysteine and tryptophan.

NM_005257.6(GATA6):c.180C>G (p.Cys60Trp)

Gene: GATA6 (GATA binding protein 6; plus strand). Cytogenetic location: 18q11.2.
Variant type: single nucleotide variant.
Coding change: c.180C>G on transcript NM_005257.6 (MANE Select); coding-DNA position 180, C replaced by G.
Protein change: p.Cys60Trp; replaces cysteine 60 with tryptophan.
Molecular consequence: missense variant.
Genome position (GRCh38, 1-based): chr18:22,171,324, C>G. VCF-style: chr18-22171324-C-G. GRCh37 (hg19) VCF-style: chr18-19751285-C-G.
Other names: short protein forms C60W.
Identifiers: ClinVar variation 1051348 (VCV001051348.9), dbSNP rs1431278250, ClinGen allele CA401798918.